The following is an entry in ClinVar:

ClinVar aggregate classification (germline): Uncertain significance (1 of 4 stars; one submission).

Submission:

Labcorp Genetics (formerly Invitae), Labcorp
Classification: Uncertain significance. Last evaluated: 2023-04-11. Review status: criteria provided, single submitter. Criteria: Invitae Variant Classification Sherloc (09022015). Collection method: clinical testing. Allele origin: germline.
Comment: In summary, the available evidence is currently insufficient to determine the role of this variant in disease. Therefore, it has been classified as a Variant of Uncertain Significance. Advanced modeling of protein sequence and biophysical properties (such as structural, functional, and spatial information, amino acid conservation, physicochemical variation, residue mobility, and thermodynamic stability) performed at Invitae indicates that this missense variant is not expected to disrupt FREM1 protein function. This variant has not been reported in the literature in individuals affected with FREM1-related conditions. This variant is not present in population databases (gnomAD no frequency). This sequence change replaces aspartic acid, which is acidic and polar, with valine, which is neutral and non-polar, at codon 115 of the FREM1 protein (p.Asp115Val).

NM_001379081.2(FREM1):c.344A>T (p.Asp115Val)

Gene: FREM1 (FRAS1 related extracellular matrix 1; minus strand). Cytogenetic location: 9p22.3.
Variant type: single nucleotide variant.
Coding change: c.344A>T on transcript NM_001379081.2 (MANE Select); coding-DNA position 344, A replaced by T.
Protein change: p.Asp115Val; replaces aspartic acid 115 with valine.
Molecular consequence: missense variant. On other transcripts: non-coding transcript variant (4).
Genome position (GRCh38, 1-based): chr9:14,859,470, T>A on the plus strand (A>T on the coding strand, the complement: FREM1 is on the minus strand). VCF-style: chr9-14859470-T-A. GRCh37 (hg19) VCF-style: chr9-14859468-T-A.
Other names: c.344A>T, p.Asp115Val (NM_001370060.1, NM_001370063.1, NM_001370065.1 and 1 more transcripts); short protein forms D115V.
Identifiers: ClinVar variation 2855268 (VCV002855268.3), dbSNP rs1429036733, ClinGen allele CA372964181.
Genomic context (GRCh38, chr9:14,859,470, plus strand): 5'-ATGATGTTACAGTCTGGTTCCAGGAGATAGACCCACAGGATAAAAGTTTCTATGAAGGTA[T>A]CTCTTTCAGTAAATCTGTGGAGAACACAGGGCAAAAGCAATATTAATTGGTGCTCAGGTA-3'
Protein context (NP_001366010.1, residues 105-125): KLRLYRFTER[Asp115Val]TFIETFILWV